The following is an entry in ClinVar:

ClinVar aggregate classification (germline): Uncertain significance. Review status: criteria provided, multiple submitters, no conflicts (2 of 4 stars). 2 submissions from 2 submitters: Uncertain significance (2). Last evaluated 2025-08-28.

Conditions:
Hereditary cancer-predisposing syndrome. Also called: Hereditary neoplastic syndrome; Neoplastic Syndromes, Hereditary; Hereditary Cancer Syndrome; Tumor predisposition. Identifiers: Orphanet 140162, MedGen C0027672, MeSH D009386, MONDO:0015356.
Gastrointestinal stromal tumor. Also called: Gastrointestinal stromal tumor, somatic; Gastrointestinal stroma tumor. Identifiers: Orphanet 44890, MedGen C0238198, MeSH D046152, MONDO:0011719, OMIM 606764, HP:0100723.

Allele frequency attached by ClinVar (database versions not stated): gnomAD exomes below 0.00001.
gnomAD v4.1: 2 of 1,613,802 alleles (0.00012%); highest among the groups gnomAD compares: Non-Finnish European, 0.00017%; no homozygotes.

Submissions (2):

Ambry Genetics
Classification: Uncertain significance for Hereditary cancer-predisposing syndrome. Last evaluated: 2025-08-28. Review status: criteria provided, single submitter. Criteria: Ambry Variant Classification Scheme 2023. Collection method: clinical testing. Allele origin: germline.
Comment: The c.2156+3G>C intronic variant results from a G to C substitution 3 nucleotides after coding exon 14 in the PDGFRA gene. This nucleotide position is not well conserved in available vertebrate species. In silico splice site analysis predicts that this alteration will not have any significant effect on splicing. Based on the available evidence, the clinical significance of this variant remains unclear.

Labcorp Genetics (formerly Invitae), Labcorp
Classification: Uncertain significance for Gastrointestinal stromal tumor. Last evaluated: 2025-07-30. Review status: criteria provided, single submitter. Criteria: Invitae Variant Classification Sherloc (09022015). Collection method: clinical testing. Allele origin: germline.
Comment: This sequence change falls in intron 15 of the PDGFRA gene. It does not directly change the encoded amino acid sequence of the PDGFRA protein. It affects a nucleotide within the consensus splice site. This variant is not present in population databases (gnomAD no frequency). This variant has not been reported in the literature in individuals affected with PDGFRA-related conditions. ClinVar contains an entry for this variant (Variation ID: 959195). Variants that disrupt the consensus splice site are a relatively common cause of aberrant splicing (PMID: 17576681, 9536098). Algorithms developed to predict the effect of sequence changes on RNA splicing suggest that this variant is not likely to affect RNA splicing. In summary, the available evidence is currently insufficient to determine the role of this variant in disease. Therefore, it has been classified as a Variant of Uncertain Significance.

Literature cited by the submitters: PubMed 17576681 (cited by Labcorp Genetics (formerly Invitae), Labcorp); PubMed 9536098 (cited by Labcorp Genetics (formerly Invitae), Labcorp).

NM_006206.6(PDGFRA):c.2156+3G>C

Gene: PDGFRA (platelet derived growth factor receptor alpha; plus strand). Cytogenetic location: 4q12.
Variant type: single nucleotide variant.
Coding change: c.2156+3G>C on transcript NM_006206.6 (MANE Select); 3 bases into the intron after coding-DNA position 2156, G replaced by C.
Molecular consequence: intron variant.
Genome position (GRCh38, 1-based): chr4:54,278,518, G>C. VCF-style: chr4-54278518-G-C. GRCh37 (hg19) VCF-style: chr4-55144685-G-C.
Other names: c.2231+3G>C (NM_001347828.2); c.2156+3G>C (NM_001347827.2, NM_001347829.2); c.2195+3G>C (NM_001347830.2).
Identifiers: ClinVar variation 959195 (VCV000959195.9), dbSNP rs1723885021, ClinGen allele CA1139658500.